The following is an entry in ClinVar:

NM_001039775.4(CRYBG2):c.1581C>A (p.Thr527=)

Gene: CRYBG2 (crystallin beta-gamma domain containing 2; minus strand). Cytogenetic location: 1p36.11.
Variant type: single nucleotide variant.
Coding change: c.1581C>A on transcript NM_001039775.4 (MANE Select); coding-DNA position 1581, C replaced by A.
Protein change: p.Thr527=; no amino-acid change (threonine 527 retained).
Molecular consequence: synonymous variant.
Genome position (GRCh38, 1-based): chr1:26,345,077, G>T on the plus strand (C>A on the coding strand, the complement: CRYBG2 is on the minus strand). VCF-style: chr1-26345077-G-T. GRCh37 (hg19) VCF-style: chr1-26671568-G-T.
Identifiers: ClinVar variation 2638517 (VCV002638517.24), dbSNP rs1170132306, ClinGen allele CA734490138.
Genomic context (GRCh38, chr1:26,345,077, plus strand): 5'-CTCTTTCCAGGTGGGAAATGAGGCATCAGGAGCACCGGGGCCCTTCACGACCTCTTTCCA[G>T]GTGGGGAACAAGGCAGCAGGAGCACTGGACCCCTGCACCACCTCCTTCTGGGTGGGAGAT-3'
Protein context (NP_001034864.2, residues 517-537): GSSAPAALFP[Thr527=]WKEVVKGPGA

ClinVar aggregate classification (germline): Likely benign (1 of 4 stars; one submission).

Submission:

CeGaT Center for Human Genetics Tuebingen
Classification: Likely benign. Last evaluated: 2022-11-01. Review status: criteria provided, single submitter. Criteria: CeGaT Center For Human Genetics Tuebingen Variant Classification Criteria Version 2. Collection method: clinical testing. Allele origin: germline. Affected: yes. Observed: 2 variant alleles.
Comment: CRYBG2: PM2:Supporting, BP4, BP7